The following is an entry in ClinVar:

ClinVar aggregate classification (germline): Benign/Likely benign. Review status: criteria provided, multiple submitters, no conflicts (2 of 4 stars). 3 submissions from 3 submitters: Benign (1); Likely benign (2). Last evaluated 2025-12-14.

Conditions:
Papillary renal cell carcinoma type 1 (RCCP1). Also called: RENAL CELL CARCINOMA, PAPILLARY, 1, SOMATIC; Renal adenocarcinoma; Renal cell carcinoma 1; Renal cell carcinoma, somatic. Identifiers: Orphanet 47044, MedGen C1336839, OMIM 605074, HP:0011797.
Renal cell carcinoma. Identifiers: Orphanet 217071, MedGen C0007134, MeSH D002292, MONDO:0005086, HP:0005584.
Hereditary cancer-predisposing syndrome. Also called: Tumor predisposition; Neoplastic Syndromes, Hereditary; Hereditary Cancer Syndrome; Hereditary neoplastic syndrome. Identifiers: Orphanet 140162, MedGen C0027672, MeSH D009386, MONDO:0015356.

Allele frequency attached by ClinVar (database versions not stated): gnomAD exomes below 0.00001; ExAC 0.00001.
gnomAD v4.1: 1 of 1,614,170 alleles (0.000062%); highest among the groups gnomAD compares: Non-Finnish European, 0.000085%; no homozygotes.

Submissions (3):

Labcorp Genetics (formerly Invitae), Labcorp
Classification: Likely benign for Renal cell carcinoma. Last evaluated: 2025-12-14. Review status: criteria provided, single submitter. Criteria: Invitae Variant Classification Sherloc (09022015). Collection method: clinical testing. Allele origin: germline.

Myriad Genetics, Inc.
Classification: Benign for Papillary renal cell carcinoma type 1. Last evaluated: 2024-11-14. Review status: criteria provided, single submitter. Criteria: Myriad Autosomal Dominant, Autosomal Recessive and X-Linked Classification Criteria (2023). Collection method: clinical testing. Allele origin: unknown.
Comment: This variant is considered benign. This variant is a silent/synonymous amino acid change and it is not expected to impact splicing.

Ambry Genetics
Classification: Likely benign for Hereditary cancer-predisposing syndrome. Last evaluated: 2021-10-19. Review status: criteria provided, single submitter. Criteria: Ambry Variant Classification Scheme 2023. Collection method: clinical testing. Allele origin: germline.

NM_000245.4(MET):c.3861A>G (p.Val1287=)

Gene: MET (MET proto-oncogene, receptor tyrosine kinase; plus strand). Cytogenetic location: 7q31.2.
Variant type: single nucleotide variant.
Coding change: c.3861A>G on transcript NM_000245.4 (MANE Select); coding-DNA position 3861, A replaced by G.
Protein change: p.Val1287=; no amino-acid change (valine 1287 retained).
Molecular consequence: synonymous variant.
Genome position (GRCh38, 1-based): chr7:116,795,717, A>G. VCF-style: chr7-116795717-A-G. GRCh37 (hg19) VCF-style: chr7-116435771-A-G.
Other names: c.3915A>G, p.Val1305= (NM_001127500.3); c.2571A>G, p.Val857= (NM_001324402.2).
Identifiers: ClinVar variation 1104610 (VCV001104610.12), dbSNP rs749438942, ClinGen allele CA4448791.
Genomic context (GRCh38, chr7:116,795,717, plus strand): 5'-GTCCTTTGGCGTGCTCCTCTGGGAGCTGATGACAAGAGGAGCCCCACCTTATCCTGACGT[A>G]AACACCTTTGATATAACTGTTTACTTGTTGCAAGGGAGAAGACTCCTACAACCCGAATAC-3'
Protein context (NP_000236.2, residues 1277-1297): MTRGAPPYPD[Val1287=]NTFDITVYLL